The following is an entry in ClinVar:

NM_020937.4(FANCM):c.1363G>C (p.Glu455Gln)

Gene: FANCM (FA complementation group M; plus strand). Cytogenetic location: 14q21.2.
Variant type: single nucleotide variant.
Coding change: c.1363G>C on transcript NM_020937.4 (MANE Select); coding-DNA position 1363, G replaced by C.
Protein change: p.Glu455Gln; replaces glutamic acid 455 with glutamine.
Molecular consequence: missense variant.
Genome position (GRCh38, 1-based): chr14:45,155,426, G>C. VCF-style: chr14-45155426-G-C. GRCh37 (hg19) VCF-style: chr14-45624629-G-C.
Other names: c.1285G>C, p.Glu429Gln (NM_001308133.2); c.1363G>C, p.Glu455Gln (NM_001308134.2); short protein forms E429Q, E455Q.
Identifiers: ClinVar variation 4871088 (VCV004871088.1).
Genomic context (GRCh38, chr14:45,155,426, plus strand): 5'-GTTCCAGGAGATAAAAATAAAAAATTTGTTTATAGTCATCCAAAGTTAAAGAAATTAGAA[G>C]AAGTTGTAATTGAACACTTCAAGTCATGGAATGGTAGGTCATATTTAGTAGCTTTAAGGC-3'
Protein context (NP_065988.1, residues 445-465): YSHPKLKKLE[Glu455Gln]VVIEHFKSWN

ClinVar aggregate classification (germline): Uncertain significance (1 of 4 stars; one submission).

Conditions:
Inborn genetic diseases. Identifiers: MedGen C0950123, MeSH D030342.

gnomAD v4.1: 1 of 1,496,240 alleles (0.000067%); highest among the groups gnomAD compares: African/African-American, 0.0014%; no homozygotes.

Submission:

Ambry Genetics
Classification: Uncertain significance for Inborn genetic diseases. Last evaluated: 2026-04-20. Review status: criteria provided, single submitter. Criteria: Ambry Variant Classification Scheme 2023. Collection method: clinical testing. Allele origin: germline.
Comment: The p.E455Q variant (also known as c.1363G>C), located in coding exon 8 of the FANCM gene, results from a G to C substitution at nucleotide position 1363. The glutamic acid at codon 455 is replaced by glutamine, an amino acid with highly similar properties. This amino acid position is conserved. In addition, this alteration is predicted to be tolerated by in silico analysis. Based on the available evidence, the clinical significance of this variant remains unclear.